The following is an entry in ClinVar:

NM_001127198.5(TMC6):c.892-2A>T

Gene: TMC6 (transmembrane channel like 6; minus strand). Cytogenetic location: 17q25.3.
Variant type: single nucleotide variant.
Coding change: c.892-2A>T on transcript NM_001127198.5 (MANE Select); the canonical splice acceptor site of the intron before coding-DNA position 892, A replaced by T.
Molecular consequence: splice acceptor variant.
Genome position (GRCh38, 1-based): chr17:78,124,181, T>A on the plus strand (A>T on the coding strand, the complement: TMC6 is on the minus strand). VCF-style: chr17-78124181-T-A. GRCh37 (hg19) VCF-style: chr17-76120262-T-A.
Other names: IVS8AS, A-T, -2; c.892-2A>T (NM_001374594.1, NM_001374596.1, NM_001374593.1 and 4 more transcripts).
Identifiers: ClinVar variation 4751 (VCV000004751.10), dbSNP rs769471844, ClinGen allele CA212816.
Genomic context (GRCh38, chr17:78,124,181, plus strand): 5'-TGGTTCAGCGTGGCGTTACTGTAGTGGCCGTAGTACATGACGGTGTGGGTGAAGCAACCC[T>A]GCCACAGGGAGATCCAGCCGAGTCAGGGACTTTCCCCACGCCCCACCCGACCCTCAGGCC-3'

ClinVar aggregate classification (germline): Pathogenic. Review status: criteria provided, single submitter (1 of 4 stars). 2 submissions from 2 submitters: Pathogenic (1). 1 of the submissions does not count toward it. Last evaluated 2023-12-22.

Conditions:
Epidermodysplasia verruciformis. Identifiers: Orphanet 302, MedGen C0014522, MONDO:0009176.
Epidermodysplasia verruciformis, susceptibility to, 1. Identifiers: Orphanet 302, MedGen C4722564, MONDO:0100045, OMIM 226400.

Allele frequency attached by ClinVar (database versions not stated): gnomAD exomes below 0.00001 and 0.00001; ExAC 0.00001; gnomAD 0.00001.
gnomAD v4.1: 7 of 1,611,062 alleles (0.00043%); highest among the groups gnomAD compares: East Asian, 0.016%; no homozygotes.

Submissions (2):

Labcorp Genetics (formerly Invitae), Labcorp
Classification: Pathogenic for Epidermodysplasia verruciformis. Last evaluated: 2023-12-22. Review status: criteria provided, single submitter. Criteria: Invitae Variant Classification Sherloc (09022015). Collection method: clinical testing. Allele origin: germline.
Comment: This sequence change affects an acceptor splice site in intron 8 of the TMC6 gene. It is expected to disrupt RNA splicing. Variants that disrupt the donor or acceptor splice site typically lead to a loss of protein function (PMID: 16199547), and loss-of-function variants in TMC6 are known to be pathogenic (PMID: 15042430, 17139267). This variant is not present in population databases (gnomAD no frequency). Disruption of this splice site has been observed in individual(s) with epidermodysplasia verruciformis (PMID: 15042430, 36268689). It has also been observed to segregate with disease in related individuals. ClinVar contains an entry for this variant (Variation ID: 4751). Algorithms developed to predict the effect of sequence changes on RNA splicing suggest that this variant may disrupt the consensus splice site. For these reasons, this variant has been classified as Pathogenic.

OMIM
Classification: risk factor for EPIDERMODYSPLASIA VERRUCIFORMIS, SUSCEPTIBILITY TO, 1. Last evaluated: 2004-01-01. Review status: no assertion criteria provided. Collection method: literature only. Allele origin: germline. Not counted in ClinVar's aggregate classification.

Literature cited by the submitters: PubMed 16199547 (cited by Labcorp Genetics (formerly Invitae), Labcorp); PubMed 15042430 (cited by Labcorp Genetics (formerly Invitae), Labcorp and OMIM); PubMed 17139267 (cited by Labcorp Genetics (formerly Invitae), Labcorp); PubMed 36268689 (cited by Labcorp Genetics (formerly Invitae), Labcorp).